The following is an entry in ClinVar:

NM_024989.4(PGAP1):c.2351C>G (p.Ser784Cys)

Gene: PGAP1 (post-GPI attachment to proteins inositol deacylase 1; minus strand). Cytogenetic location: 2q33.1.
Variant type: single nucleotide variant.
Coding change: c.2351C>G on transcript NM_024989.4 (MANE Select); coding-DNA position 2351, C replaced by G.
Protein change: p.Ser784Cys; replaces serine 784 with cysteine.
Molecular consequence: missense variant.
Genome position (GRCh38, 1-based): chr2:196,844,062, G>C on the plus strand (C>G on the coding strand, the complement: PGAP1 is on the minus strand). VCF-style: chr2-196844062-G-C. GRCh37 (hg19) VCF-style: chr2-197708786-G-C.
Other names: c.1829C>G, p.Ser610Cys (NM_001321099.2); c.1184C>G, p.Ser395Cys (NM_001321100.2); short protein forms S610C, S784C, S395C.
Identifiers: ClinVar variation 1390764 (VCV001390764.6), dbSNP rs760816428, ClinGen allele CA2040642.

ClinVar aggregate classification (germline): Uncertain significance (1 of 4 stars; one submission).

Conditions:
Intellectual disability, autosomal recessive 42 (NEDDSBA). Also called: Neurodevelopmental disorder with dysmorphic features, spasticity, and brain abnormalities; GLYCOSYLPHOSPHATIDYLINOSITOL BIOSYNTHESIS DEFECT 9. Identifiers: Orphanet 88616, MedGen C4014343, MONDO:0014348, OMIM 615802.

Allele frequency attached by ClinVar (database versions not stated): gnomAD exomes below 0.00001; ExAC 0.00001.
gnomAD v4.1: 1 of 1,575,600 alleles (0.000063%); highest among the groups gnomAD compares: Admixed American, 0.0017%; no homozygotes.

Submission:

Labcorp Genetics (formerly Invitae), Labcorp
Classification: Uncertain significance for Intellectual disability, autosomal recessive 42. Last evaluated: 2021-11-01. Review status: criteria provided, single submitter. Criteria: Invitae Variant Classification Sherloc (09022015). Collection method: clinical testing. Allele origin: germline.
Comment: Algorithms developed to predict the effect of missense changes on protein structure and function (SIFT, PolyPhen-2, Align-GVGD) all suggest that this variant is likely to be tolerated. In summary, the available evidence is currently insufficient to determine the role of this variant in disease. Therefore, it has been classified as a Variant of Uncertain Significance. This variant has not been reported in the literature in individuals affected with PGAP1-related conditions. This variant is present in population databases (rs760816428, gnomAD 0.003%). This sequence change replaces serine, which is neutral and polar, with cysteine, which is neutral and slightly polar, at codon 784 of the PGAP1 protein (p.Ser784Cys).